The following is an entry in ClinVar:

ClinVar aggregate classification (germline): Uncertain significance (1 of 4 stars; one submission).

gnomAD v4.1: 7 of 1,612,304 alleles (0.00043%); highest among the groups gnomAD compares: Admixed American, 0.0017%; no homozygotes.

Submission:

Labcorp Genetics (formerly Invitae), Labcorp
Classification: Uncertain significance. Last evaluated: 2024-11-18. Review status: criteria provided, single submitter. Criteria: Invitae Variant Classification Sherloc (09022015). Collection method: clinical testing. Allele origin: germline.
Comment: This sequence change replaces glycine, which is neutral and non-polar, with glutamic acid, which is acidic and polar, at codon 31 of the ANKRD26 protein (p.Gly31Glu). This variant is present in population databases (no rsID available, gnomAD 0.003%). This variant has not been reported in the literature in individuals affected with ANKRD26-related conditions. ClinVar contains an entry for this variant (Variation ID: 2899976). An algorithm developed to predict the effect of missense changes on protein structure and function (PolyPhen-2) suggests that this variant is likely to be tolerated. In summary, the available evidence is currently insufficient to determine the role of this variant in disease. Therefore, it has been classified as a Variant of Uncertain Significance.

NM_014915.3(ANKRD26):c.92G>A (p.Gly31Glu)

Genes: ANKRD26 (ankyrin repeat domain 26; minus strand), LOC130003554 (ATAC-STARR-seq lymphoblastoid silent region 2243; plus strand). Cytogenetic location: 10p12.1.
Variant type: single nucleotide variant.
Coding change: c.92G>A on transcript NM_014915.3 (MANE Select); coding-DNA position 92, G replaced by A.
Protein change: p.Gly31Glu; replaces glycine 31 with glutamic acid.
Molecular consequence: missense variant.
Genome position (GRCh38, 1-based): chr10:27,100,235, C>T on the plus strand (G>A on the coding strand, the complement: ANKRD26 is on the minus strand). VCF-style: chr10-27100235-C-T. GRCh37 (hg19) VCF-style: chr10-27389164-C-T.
Other names: c.92G>A, p.Gly31Glu (NM_001256053.2); short protein forms G31E.
Identifiers: ClinVar variation 2899976 (VCV002899976.3), dbSNP rs199849785, ClinGen allele CA376369856.